The following is an entry in ClinVar:

ClinVar aggregate classification (germline): Conflicting classifications of pathogenicity. Review status: criteria provided, conflicting classifications (1 of 4 stars). 6 submissions from 5 submitters: Uncertain significance (1); Likely benign (5). Last evaluated 2025-11-06.

Conditions:
Early-infantile DEE. Also called: Early infantile epileptic encephalopathy; Ohtahara syndrome; Early infantile epileptic encephalopathy with suppression bursts. Identifiers: Orphanet 1934, MedGen C0393706, MONDO:0800491.
Generalized epilepsy with febrile seizures plus, type 2 (GEFSP2). Also called: GEFS+, TYPE 2. Identifiers: Orphanet 36387, MedGen C1858673, MONDO:0011461, OMIM 604403.
Migraine, familial hemiplegic, 3. Identifiers: Orphanet 569, MedGen C1864987, MONDO:0012320, OMIM 609634.

Allele frequency attached by ClinVar (database versions not stated): gnomAD 0.00001; gnomAD exomes 0.00002; TOPMed 0.00002; ExAC 0.00003.
gnomAD v4.1: 35 of 1,611,238 alleles (0.0022%); highest among the groups gnomAD compares: Admixed American, 0.0067%; no homozygotes.

Submissions (6):

Labcorp Genetics (formerly Invitae), Labcorp
Classification: Likely benign for Early-infantile DEE. Last evaluated: 2025-11-06. Review status: criteria provided, single submitter. Criteria: Invitae Variant Classification Sherloc (09022015). Collection method: clinical testing. Allele origin: germline.

Mayo Clinic Laboratories, Mayo Clinic
Classification: Likely benign. Last evaluated: 2025-03-17. Review status: criteria provided, single submitter. Criteria: ACMG Guidelines, 2015. Collection method: clinical testing. Allele origin: germline. Observed: 1 variant allele.
Comment: BP4, BP7

Athena Diagnostics
Classification: Likely benign. Last evaluated: 2018-11-05. Review status: criteria provided, single submitter. Criteria: Athena Diagnostics Criteria. Collection method: clinical testing. Allele origin: germline.

Illumina Laboratory Services, Illumina
Classification: Likely benign for Migraine, familial hemiplegic, 3. Last evaluated: 2018-01-13. Review status: criteria provided, single submitter. Criteria: ICSL Variant Classification Criteria 13 December 2019. Collection method: clinical testing. Allele origin: germline.
Comment: This variant was observed in the ICSL laboratory as part of a predisposition screen in an ostensibly healthy population. It had not been previously curated by ICSL or reported in the Human Gene Mutation Database (HGMD: prior to June 1st, 2018), and was therefore a candidate for classification through an automated scoring system. Utilizing variant allele frequency, disease prevalence and penetrance estimates, and inheritance mode, an automated score was calculated to assess if this variant is too frequent to cause the disease. Based on the score and internal cut-off values, a variant classified as likely benign is not then subjected to further curation. The score for this variant resulted in a classification of likely benign for this disease.

Illumina Laboratory Services, Illumina
Classification: Uncertain significance for Generalized epilepsy with febrile seizures plus, type 2. Last evaluated: 2018-01-13. Review status: criteria provided, single submitter. Criteria: ICSL Variant Classification Criteria 13 December 2019. Collection method: clinical testing. Allele origin: germline.

GeneDx
Classification: Likely benign. Last evaluated: 2017-06-22. Review status: criteria provided, single submitter. Criteria: GeneDx Variant Classification (06012015). Collection method: clinical testing. Allele origin: germline. Affected: yes.
Comment: This variant is considered likely benign or benign based on one or more of the following criteria: it is a conservative change, it occurs at a poorly conserved position in the protein, it is predicted to be benign by multiple in silico algorithms, and/or has population frequency not consistent with disease.

NM_001165963.4(SCN1A):c.606C>T (p.Tyr202=)

Gene: SCN1A (sodium voltage-gated channel alpha subunit 1; minus strand). Cytogenetic location: 2q24.3.
Variant type: single nucleotide variant.
Coding change: c.606C>T on transcript NM_001165963.4 (MANE Select); coding-DNA position 606, C replaced by T.
Protein change: p.Tyr202=; no amino-acid change (tyrosine 202 retained).
Molecular consequence: synonymous variant. On other transcripts: 5 prime UTR variant (1), non-coding transcript variant (1).
Genome position (GRCh38, 1-based): chr2:166,052,940, G>A on the plus strand (C>T on the coding strand, the complement: SCN1A is on the minus strand). VCF-style: chr2-166052940-G-A. GRCh37 (hg19) VCF-style: chr2-166909450-G-A.
Other names: p.Tyr202=; c.606C>T, p.Tyr202= (NM_001165964.3, NM_001202435.3, NM_001353948.2 and 10 more transcripts); c.-1820C>T (NM_001353961.2); c.606C>T (NM_001165963.3).
Identifiers: ClinVar variation 516611 (VCV000516611.16), dbSNP rs374555589, ClinGen allele CA1943472.
Genomic context (GRCh38, chr2:166,052,940, plus strand): 5'-TCGGAGAACTCTGAATGTTCTCAATGCCGAGACATTGCCCAGGTCCACAAACTCTGTGAC[G>A]TACCTGTAATAGGGAGTTCACACACAAACACAAAAACAGGACACAAAGAAAAAGCTGTAG-3'
Protein context (NP_001159435.1, residues 192-212): WLDFTVITFA[Tyr202=]VTEFVDLGNV